The following is an entry in ClinVar:

ClinVar aggregate classification (germline): Uncertain significance. Review status: criteria provided, multiple submitters, no conflicts (2 of 4 stars). 2 submissions from 2 submitters: Uncertain significance (2). Last evaluated 2024-04-11.

Conditions:
Isolated cryptophthalmia. Also called: Cryptophthalmos, unilateral or bilateral, isolated; ANKYLOBLEPHARON, SIMPLE. Identifiers: Orphanet 91396, MedGen C1852453, MONDO:0007410, OMIM 123570.
Fraser syndrome 2 (FRASRS2). Identifiers: MedGen C4540036, MONDO:0054738, OMIM 617666.

Allele frequency attached by ClinVar (database versions not stated): gnomAD 0.00001; TOPMed 0.00002.
gnomAD v4.1: 2 of 1,614,032 alleles (0.00012%); highest among the groups gnomAD compares: African/African-American, 0.0027%; no homozygotes.

Submissions (2):

Fulgent Genetics
Classification: Uncertain significance for Isolated cryptophthalmia; Fraser syndrome 2. Last evaluated: 2024-04-11. Review status: criteria provided, single submitter. Criteria: ACMG Guidelines, 2015. Collection method: clinical testing. Allele origin: germline.

Labcorp Genetics (formerly Invitae), Labcorp
Classification: Uncertain significance. Last evaluated: 2022-08-07. Review status: criteria provided, single submitter. Criteria: Invitae Variant Classification Sherloc (09022015). Collection method: clinical testing. Allele origin: germline.
Comment: This sequence change replaces asparagine, which is neutral and polar, with tyrosine, which is neutral and polar, at codon 932 of the FREM2 protein (p.Asn932Tyr). This variant is not present in population databases (gnomAD no frequency). This variant has not been reported in the literature in individuals affected with FREM2-related conditions. Algorithms developed to predict the effect of missense changes on protein structure and function are either unavailable or do not agree on the potential impact of this missense change (SIFT: "Deleterious"; PolyPhen-2: "Possibly Damaging"; Align-GVGD: "Class C0"). In summary, the available evidence is currently insufficient to determine the role of this variant in disease. Therefore, it has been classified as a Variant of Uncertain Significance.

NM_207361.6(FREM2):c.2794A>T (p.Asn932Tyr)

Gene: FREM2 (FRAS1 related extracellular matrix 2; plus strand). Cytogenetic location: 13q13.3.
Variant type: single nucleotide variant.
Coding change: c.2794A>T on transcript NM_207361.6 (MANE Select); coding-DNA position 2794, A replaced by T.
Protein change: p.Asn932Tyr; replaces asparagine 932 with tyrosine.
Molecular consequence: missense variant.
Genome position (GRCh38, 1-based): chr13:38,690,138, A>T. VCF-style: chr13-38690138-A-T. GRCh37 (hg19) VCF-style: chr13-39264275-A-T.
Other names: short protein forms N932Y.
Identifiers: ClinVar variation 2112063 (VCV002112063.2), dbSNP rs767983230, ClinGen allele CA387889588.